The following is an entry in ClinVar:

ClinVar aggregate classification (germline): Uncertain significance (1 of 4 stars; one submission).

Submission:

GeneDx
Classification: Uncertain significance. Last evaluated: 2023-11-09. Review status: criteria provided, single submitter. Criteria: GeneDx Variant Classification Process June 2021. Collection method: clinical testing. Allele origin: germline. Affected: yes.
Comment: Not observed at significant frequency in large population cohorts (gnomAD); In silico analysis supports that this missense variant has a deleterious effect on protein structure/function; Has not been previously published as pathogenic or benign to our knowledge

NM_032217.5(ANKRD17):c.949G>T (p.Val317Leu)

Gene: ANKRD17 (ankyrin repeat domain 17; minus strand). Cytogenetic location: 4q13.3.
Variant type: single nucleotide variant.
Coding change: c.949G>T on transcript NM_032217.5 (MANE Select); coding-DNA position 949, G replaced by T.
Protein change: p.Val317Leu; replaces valine 317 with leucine.
Molecular consequence: missense variant.
Genome position (GRCh38, 1-based): chr4:73,155,682, C>A on the plus strand (G>T on the coding strand, the complement: ANKRD17 is on the minus strand). VCF-style: chr4-73155682-C-A. GRCh37 (hg19) VCF-style: chr4-74021399-C-A.
Other names: c.610G>T, p.Val204Leu (NM_001286771.3); c.949G>T, p.Val317Leu (NM_015574.2, NM_198889.3); short protein forms V204L, V317L.
Identifiers: ClinVar variation 3364013 (VCV003364013.1).